The following is an entry in ClinVar:

ClinVar aggregate classification (germline): Uncertain significance. Review status: criteria provided, multiple submitters, no conflicts (2 of 4 stars). 2 submissions from 2 submitters: Uncertain significance (2). Last evaluated 2020-07-21.

Conditions:
Early-infantile DEE. Also called: Early infantile epileptic encephalopathy; Ohtahara syndrome; Early infantile epileptic encephalopathy with suppression bursts. Identifiers: Orphanet 1934, MedGen C0393706, MONDO:0800491.
Early Myoclonic Encephalopathy. Identifiers: MedGen C0270855.

Allele frequency attached by ClinVar (database versions not stated): gnomAD exomes below 0.00001.

Submissions (2):

Labcorp Genetics (formerly Invitae), Labcorp
Classification: Uncertain significance for Early-infantile DEE. Last evaluated: 2020-07-21. Review status: criteria provided, single submitter. Criteria: Invitae Variant Classification Sherloc (09022015). Collection method: clinical testing. Allele origin: germline.
Comment: This sequence change replaces glutamine with arginine at codon 39 of the SLC25A22 protein (p.Gln39Arg). The glutamine residue is highly conserved and there is a small physicochemical difference between glutamine and arginine. This variant is not present in population databases (ExAC no frequency). This variant has not been reported in the literature in individuals with SLC25A22-related conditions. Algorithms developed to predict the effect of missense changes on protein structure and function (SIFT, PolyPhen-2, Align-GVGD) all suggest that this variant is likely to be disruptive, but these predictions have not been confirmed by published functional studies and their clinical significance is uncertain. In summary, the available evidence is currently insufficient to determine the role of this variant in disease. Therefore, it has been classified as a Variant of Uncertain Significance.

Illumina Laboratory Services, Illumina
Classification: Uncertain significance for Developmental and epileptic encephalopathy, 3. Last evaluated: 2018-01-13. Review status: criteria provided, single submitter. Criteria: ICSL Variant Classification Criteria 13 December 2019. Collection method: clinical testing. Allele origin: germline.

NM_001191061.2(SLC25A22):c.116A>G (p.Gln39Arg)

Gene: SLC25A22 (solute carrier family 25 member 22; minus strand). Cytogenetic location: 11p15.5.
Variant type: single nucleotide variant.
Coding change: c.116A>G on transcript NM_001191061.2 (MANE Select); coding-DNA position 116, A replaced by G.
Protein change: p.Gln39Arg; replaces glutamine 39 with arginine.
Molecular consequence: missense variant.
Genome position (GRCh38, 1-based): chr11:794,806, T>C on the plus strand (A>G on the coding strand, the complement: SLC25A22 is on the minus strand). VCF-style: chr11-794806-T-C. GRCh37 (hg19) VCF-style: chr11-794806-T-C.
Other names: c.116A>G, p.Gln39Arg (NM_001191060.2, NM_024698.6); short protein forms Q39R.
Identifiers: ClinVar variation 883625 (VCV000883625.13), dbSNP rs1354157440, ClinGen allele CA378921967.